The following is an entry in ClinVar:

NM_014321.4(ORC6):c.*479G>A

Gene: ORC6 (origin recognition complex subunit 6; plus strand). Cytogenetic location: 16q11.2.
Variant type: single nucleotide variant.
Coding change: c.*479G>A on transcript NM_014321.4 (MANE Select); 479 bases downstream of the stop codon, G replaced by A.
Molecular consequence: 3 prime UTR variant. On other transcripts: non-coding transcript variant (1).
Genome position (GRCh38, 1-based): chr16:46,698,064, G>A. VCF-style: chr16-46698064-G-A. GRCh37 (hg19) VCF-style: chr16-46731976-G-A.
Identifiers: ClinVar variation 319310 (VCV000319310.5), dbSNP rs533502054, ClinGen allele CA8037525.

ClinVar aggregate classification (germline): Benign (1 of 4 stars; one submission).

Conditions:
Meier-Gorlin syndrome 3 (MGORS3). Identifiers: Orphanet 2554, MedGen C3151113, MONDO:0013430, OMIM 613803.

Allele frequency attached by ClinVar (database versions not stated): gnomAD 0.00001 and 0.00040; TOPMed 0.00005; gnomAD exomes 0.00197 and 0.00221; 1000 Genomes Project 0.00459; 1000 Genomes Project 30x 0.00484; ExAC 0.01181.
gnomAD v4.1: 629 of 417,798 alleles (0.15%); highest among the groups gnomAD compares: South Asian, 1%; 7 homozygotes.

Submission:

Illumina Laboratory Services, Illumina
Classification: Benign for Meier-Gorlin syndrome 3. Last evaluated: 2018-01-13. Review status: criteria provided, single submitter. Criteria: ICSL Variant Classification Criteria 13 December 2019. Collection method: clinical testing. Allele origin: germline.
Comment: This variant was observed in the ICSL laboratory as part of a predisposition screen in an ostensibly healthy population. It had not been previously curated by ICSL or reported in the Human Gene Mutation Database (HGMD: prior to June 1st, 2018), and was therefore a candidate for classification through an automated scoring system. Utilizing variant allele frequency, disease prevalence and penetrance estimates, and inheritance mode, an automated score was calculated to assess if this variant is too frequent to cause the disease. Based on the score and internal cut-off values, a variant classified as benign is not then subjected to further curation. The score for this variant resulted in a classification of benign for this disease.